The following is an entry in ClinVar:

NM_002693.3(POLG):c.562G>A (p.Ala188Thr)

Genes: POLG (DNA polymerase gamma, catalytic subunit; minus strand), POLGARF (POLG alternative reading frame; minus strand). Cytogenetic location: 15q26.1.
Variant type: single nucleotide variant.
Coding change: c.562G>A on transcript NM_002693.3 (MANE Select); coding-DNA position 562, G replaced by A.
Protein change: p.Ala188Thr; replaces alanine 188 with threonine.
Molecular consequence: missense variant.
Genome position (GRCh38, 1-based): chr15:89,333,193, C>T on the plus strand (G>A on the coding strand, the complement: POLG is on the minus strand). VCF-style: chr15-89333193-C-T. GRCh37 (hg19) VCF-style: chr15-89876424-C-T.
Other names: c.562G>A, p.Ala188Thr (NM_001126131.2); short protein forms A188T.
Identifiers: ClinVar variation 2886949 (VCV002886949.3), dbSNP rs2055617996, ClinGen allele CA393770806.

ClinVar aggregate classification (germline): Uncertain significance (1 of 4 stars; one submission).

Conditions:
Progressive sclerosing poliodystrophy (MTDPS4A). Also called: Mitochondrial DNA depletion syndrome 4A (Alpers type); ALPERS PROGRESSIVE INFANTILE POLIODYSTROPHY; NEURONAL DEGENERATION OF CHILDHOOD WITH LIVER DISEASE, PROGRESSIVE; Alpers Syndrome; ALPERS DIFFUSE DEGENERATION OF CEREBRAL GRAY MATTER WITH HEPATIC CIRRHOSIS; Alpers-Huttenlocher Syndrome. Identifiers: Orphanet 726, MedGen C0205710, MONDO:0008758, OMIM 203700.

Allele frequency attached by ClinVar (database versions not stated): gnomAD exomes below 0.00001; TOPMed 0.00001.
gnomAD v4.1: 1 of 1,571,036 alleles (0.000064%); highest among the groups gnomAD compares: Non-Finnish European, 0.000087%; no homozygotes.

Submission:

Labcorp Genetics (formerly Invitae), Labcorp
Classification: Uncertain significance for Progressive sclerosing poliodystrophy. Last evaluated: 2024-09-23. Review status: criteria provided, single submitter. Criteria: Invitae Variant Classification Sherloc (09022015). Collection method: clinical testing. Allele origin: germline.
Comment: This sequence change replaces alanine, which is neutral and non-polar, with threonine, which is neutral and polar, at codon 188 of the POLG protein (p.Ala188Thr). This variant is not present in population databases (gnomAD no frequency). This variant has not been reported in the literature in individuals affected with POLG-related conditions. Invitae Evidence Modeling of protein sequence and biophysical properties (such as structural, functional, and spatial information, amino acid conservation, physicochemical variation, residue mobility, and thermodynamic stability) indicates that this missense variant is not expected to disrupt POLG protein function with a negative predictive value of 95%. In summary, the available evidence is currently insufficient to determine the role of this variant in disease. Therefore, it has been classified as a Variant of Uncertain Significance.